The following is an entry in ClinVar:

NM_058172.6(ANTXR2):c.*4056T>A

Gene: ANTXR2 (ANTXR cell adhesion molecule 2; minus strand). Cytogenetic location: 4q21.21.
Variant type: single nucleotide variant.
Coding change: c.*4056T>A on transcript NM_058172.6 (MANE Select); 4056 bases downstream of the stop codon, T replaced by A.
Molecular consequence: 3 prime UTR variant.
Genome position (GRCh38, 1-based): chr4:79,903,373, A>T on the plus strand (T>A on the coding strand, the complement: ANTXR2 is on the minus strand). VCF-style: chr4-79903373-A-T. GRCh37 (hg19) VCF-style: chr4-80824527-A-T.
Other names: c.*4056T>A (NM_001286780.2, NM_001286781.2).
Identifiers: ClinVar variation 904604 (VCV000904604.5), dbSNP rs11946205, ClinGen allele CA15322701.

ClinVar aggregate classification (germline): Benign. Review status: criteria provided, multiple submitters, no conflicts (2 of 4 stars). 2 submissions from 2 submitters: Benign (2). Last evaluated 2018-01-12.

Conditions:
Hyaline fibromatosis syndrome (HFS). Also called: Hyalinosis, Inherited Systemic; HYALINOSIS, SYSTEMIC. Identifiers: Orphanet 2028, Orphanet 498474, MedGen C5574677, MONDO:0009229, OMIM 228600.

Allele frequency attached by ClinVar (database versions not stated): 1000 Genomes Project 30x 0.25016; 1000 Genomes Project 0.25160; TOPMed 0.30457; gnomAD 0.31619 and 0.31726.

Submissions (2):

Illumina Laboratory Services, Illumina
Classification: Benign for Hyaline fibromatosis syndrome. Last evaluated: 2018-01-12. Review status: criteria provided, single submitter. Criteria: ICSL Variant Classification Criteria 13 December 2019. Collection method: clinical testing. Allele origin: germline.
Comment: This variant was observed in the ICSL laboratory as part of a predisposition screen in an ostensibly healthy population. It had not been previously curated by ICSL or reported in the Human Gene Mutation Database (HGMD: prior to June 1st, 2018), and was therefore a candidate for classification through an automated scoring system. Utilizing variant allele frequency, disease prevalence and penetrance estimates, and inheritance mode, an automated score was calculated to assess if this variant is too frequent to cause the disease. Based on the score and internal cut-off values, a variant classified as benign is not then subjected to further curation. The score for this variant resulted in a classification of benign for this disease.

Breakthrough Genomics
Classification: Benign. Review status: criteria provided, single submitter. Criteria: ACMG Guidelines, 2015. Collection method: not provided. Allele origin: germline. Inheritance: Autosomal recessive inheritance. Affected: yes.